The following is an entry in ClinVar:

NM_006393.3(NEBL):c.1568A>C (p.Tyr523Ser)

Gene: NEBL (nebulette; minus strand). Cytogenetic location: 10p12.31.
Variant type: single nucleotide variant.
Coding change: c.1568A>C on transcript NM_006393.3 (MANE Select); coding-DNA position 1568, A replaced by C.
Protein change: p.Tyr523Ser; replaces tyrosine 523 with serine.
Molecular consequence: missense variant. On other transcripts: intron variant (9).
Genome position (GRCh38, 1-based): chr10:20,831,299, T>G on the plus strand (A>C on the coding strand, the complement: NEBL is on the minus strand). VCF-style: chr10-20831299-T-G. GRCh37 (hg19) VCF-style: chr10-21120228-T-G.
Other names: c.250-18359A>C (NM_001377326.1, NM_001377327.1, NM_001377328.1); c.358-18359A>C (NM_213569.2, NM_001173484.2, NM_001377322.1); c.301-18359A>C (NM_001377324.1); c.292-18359A>C (NM_001377325.1); c.310-18359A>C (NM_001377323.1); short protein forms Y523S.
Identifiers: ClinVar variation 3225557 (VCV003225557.1), dbSNP rs1840389351, ClinGen allele CA376097410.

ClinVar aggregate classification (germline): Uncertain significance (1 of 4 stars; one submission).

Submission:

Ambry Genetics
Classification: Uncertain significance. Last evaluated: 2023-12-01. Review status: criteria provided, single submitter. Criteria: Ambry Variant Classification Scheme 2023. Collection method: clinical testing. Allele origin: germline.
Comment: The p.Y523S variant (also known as c.1568A>C), located in coding exon 16 of the NEBL gene, results from an A to C substitution at nucleotide position 1568. The tyrosine at codon 523 is replaced by serine, an amino acid with dissimilar properties. This amino acid position is conserved. In addition, this alteration is predicted to be deleterious by in silico analysis. Since supporting evidence is limited at this time, the clinical significance of this alteration remains unclear.